The following is an entry in ClinVar:

Conditions:
Breast-ovarian cancer, familial, susceptibility to, 1 (BROVCA1). Also called: BRCA1 Hereditary Breast and Ovarian Cancer; OVARIAN CANCER, SUSCEPTIBILITY TO. Identifiers: Orphanet 145, MedGen C2676676, MONDO:0011450, OMIM 604370. Disease mechanism: loss of function.

Submission:

Brotman Baty Institute, University of Washington
No classification provided (evidence only). Condition: Breast-ovarian cancer, familial 1. Review status: no classification provided. Collection method: in vitro. Allele origin: not applicable. Functional consequence: functionally_normal.
ClinVar note: "not provided" was previously submitted as the classification for the variant. However, the classification appeared to be based only on an observation of functional data so it was converted to no classification on 2025-07-30.

NM_007294.4(BRCA1):c.91A>T (p.Ile31Phe)

Gene: BRCA1 (BRCA1 DNA repair associated; minus strand). Cytogenetic location: 17q21.31.
Variant type: single nucleotide variant.
Coding change: c.91A>T on transcript NM_007294.4 (MANE Select); coding-DNA position 91, A replaced by T.
Protein change: p.Ile31Phe; replaces isoleucine 31 with phenylalanine.
Molecular consequence: missense variant. On other transcripts: non-coding transcript variant (1), intron variant (1).
Genome position (GRCh38, 1-based): chr17:43,115,769, T>A on the plus strand (A>T on the coding strand, the complement: BRCA1 is on the minus strand). VCF-style: chr17-43115769-T-A. GRCh37 (hg19) VCF-style: chr17-41267786-T-A.
Other names: c.-98A>T (NM_001407571.1, NM_001407853.1, NM_001407879.1 and 52 more transcripts); c.91A>T, p.Ile31Phe (NM_001407581.1, NM_001407582.1, NM_001407583.1 and 192 more transcripts); c.-167A>T (NM_001407694.1, NM_001407696.1, NM_001407724.1 and 13 more transcripts); c.-171A>T (NM_001407695.1, NM_001408465.1); c.-51A>T (NM_001407697.1, NM_001407725.1, NM_001407728.1 and 47 more transcripts); c.-47A>T (NM_001407841.1); c.-214A>T (NM_001407889.1, NM_001407900.1, NM_001408492.1); c.-213A>T (NM_001407960.1, NM_001407962.1, NM_001408510.1 and 1 more transcripts); and 2 more; short protein forms I31F.
Identifiers: ClinVar variation 867475 (VCV000867475.3), dbSNP rs1597912041, ClinGen allele CA10601971.